The following is an entry in ClinVar:

NM_017777.4(MKS1):c.1169C>T (p.Ala390Val)

Gene: MKS1 (MKS transition zone complex subunit 1; minus strand). Cytogenetic location: 17q22.
Variant type: single nucleotide variant.
Coding change: c.1169C>T on transcript NM_017777.4 (MANE Select); coding-DNA position 1169, C replaced by T.
Protein change: p.Ala390Val; replaces alanine 390 with valine.
Molecular consequence: missense variant.
Genome position (GRCh38, 1-based): chr17:58,207,998, G>A on the plus strand (C>T on the coding strand, the complement: MKS1 is on the minus strand). VCF-style: chr17-58207998-G-A. GRCh37 (hg19) VCF-style: chr17-56285359-G-A.
Other names: c.560C>T, p.Ala187Val (NM_001321268.2); c.1169C>T, p.Ala390Val (NM_001321269.2, NM_001330397.2, NM_001411113.1); short protein forms A187V, A390V.
Identifiers: ClinVar variation 3354294 (VCV003354294.2).
Genomic context (GRCh38, chr17:58,207,998, plus strand): 5'-TACCTCTGCCAGAAGTCCAGCGAGAGGACCTCACAGTAGAGCACAGGCCACTCCGGGAGT[G>A]CATCTGGGAGCAAGGAGAGAAGCGGCCAGGTCACAGGCGGCCTTCACCAAGAGACAGCAC-3'
Protein context (NP_060247.2, residues 380-400): FFLHEDESSD[Ala390Val]LPEWPVLYCE

ClinVar aggregate classification (germline): Uncertain significance. Review status: criteria provided, single submitter (1 of 4 stars). 2 submissions from 2 submitters: Uncertain significance (1). 1 of the submissions does not count toward it. Last evaluated 2025-08-23.

Conditions:
Inborn genetic diseases. Identifiers: MedGen C0950123, MeSH D030342.
MKS1-related disorder. Also called: MKS1-related condition; MKS1-related disorders. Identifiers: MedGen CN239382.

Submissions (2):

Ambry Genetics
Classification: Uncertain significance for Inborn genetic diseases. Last evaluated: 2025-08-23. Review status: criteria provided, single submitter. Criteria: Ambry Variant Classification Scheme 2023. Collection method: clinical testing. Allele origin: germline.

PreventionGenetics, part of Exact Sciences
Classification: Uncertain significance for MKS1-related condition. Last evaluated: 2024-06-21. Review status: no assertion criteria provided. Collection method: clinical testing. Allele origin: germline. Not counted in ClinVar's aggregate classification.
Comment: The MKS1 c.1169C>T variant is predicted to result in the amino acid substitution p.Ala390Val. To our knowledge, this variant has not been reported in the literature or in a large population database, indicating this variant is rare. At this time, the clinical significance of this variant is uncertain due to the absence of conclusive functional and genetic evidence.